The following is an entry in ClinVar:

ClinVar aggregate classification (germline): Uncertain significance (1 of 4 stars; one submission).

Conditions:
Neuropathy, hereditary sensory and autonomic, type 2A (HSAN2A). Also called: ACROOSTEOLYSIS, GIACCAI TYPE; ACROOSTEOLYSIS, NEUROGENIC; MORVAN DISEASE; NEUROPATHY, CONGENITAL SENSORY; NEUROPATHY, HEREDITARY SENSORY RADICULAR, AUTOSOMAL RECESSIVE; NEUROPATHY, HEREDITARY SENSORY, TYPE IIA. Identifiers: Orphanet 970, MedGen C2752089, MONDO:0024309, OMIM 201300.
Pseudohypoaldosteronism type 2C (PHA2C). Also called: Pseudohypoaldosteronism Type IIC. Identifiers: Orphanet 757, Orphanet 88940, MedGen C1840391, MONDO:0013778, OMIM 614492.

gnomAD v4.1: 1 of 1,614,218 alleles (0.000062%); highest among the groups gnomAD compares: Non-Finnish European, 0.000085%; no homozygotes.

Submission:

Labcorp Genetics (formerly Invitae), Labcorp
Classification: Uncertain significance for Neuropathy, hereditary sensory and autonomic, type 2A; Pseudohypoaldosteronism type 2C. Last evaluated: 2025-10-23. Review status: criteria provided, single submitter. Criteria: Invitae Variant Classification Sherloc (09022015). Collection method: clinical testing. Allele origin: germline.
Comment: This sequence change replaces tyrosine, which is neutral and polar, with cysteine, which is neutral and slightly polar, at codon 1700 of the WNK1 protein (p.Tyr1700Cys). This variant is not present in population databases (gnomAD no frequency). This variant has not been reported in the literature in individuals affected with WNK1-related conditions. ClinVar contains an entry for this variant (Variation ID: 2937863). Invitae Evidence Modeling of protein sequence and biophysical properties (such as structural, functional, and spatial information, amino acid conservation, physicochemical variation, residue mobility, and thermodynamic stability) indicates that this missense variant is not expected to disrupt WNK1 protein function with a negative predictive value of 95%. In summary, the available evidence is currently insufficient to determine the role of this variant in disease. Therefore, it has been classified as a Variant of Uncertain Significance.

NM_018979.4(WNK1):c.4343A>G (p.Tyr1448Cys)

Gene: WNK1 (WNK lysine deficient protein kinase 1; plus strand). Cytogenetic location: 12p13.33.
Variant type: single nucleotide variant.
Coding change: c.4343A>G on transcript NM_018979.4 (MANE Select); coding-DNA position 4343, A replaced by G.
Protein change: p.Tyr1448Cys; replaces tyrosine 1448 with cysteine.
Molecular consequence: missense variant.
Genome position (GRCh38, 1-based): chr12:885,147, A>G. VCF-style: chr12-885147-A-G. GRCh37 (hg19) VCF-style: chr12-994313-A-G.
Other names: c.5123A>G, p.Tyr1708Cys (NM_001184985.2); c.3602A>G, p.Tyr1201Cys (NM_014823.3); c.5099A>G, p.Tyr1700Cys (NM_213655.5); short protein forms Y1448C, Y1700C, Y1201C, Y1708C.
Identifiers: ClinVar variation 2937863 (VCV002937863.3), dbSNP rs2549044156, ClinGen allele CA383331039.